The following is an entry in ClinVar:

ClinVar aggregate classification (germline): Uncertain significance (0 of 4 stars; one submission).

Conditions:
SETD1A-related disorder. Also called: SETD1A-related condition.

Submission:

PreventionGenetics, part of Exact Sciences
Classification: Uncertain significance for SETD1A-related condition. Last evaluated: 2023-12-12. Review status: no assertion criteria provided. Collection method: clinical testing. Allele origin: germline.
Comment: The SETD1A c.1039T>C variant is predicted to result in the amino acid substitution p.Ser347Pro. To our knowledge, this variant has not been reported in the literature or in a large population database, indicating this variant is rare. At this time, the clinical significance of this variant is uncertain due to the absence of conclusive functional and genetic evidence.

NM_014712.3(SETD1A):c.1039T>C (p.Ser347Pro)

Gene: SETD1A (SET domain containing 1A, histone lysine methyltransferase; plus strand). Cytogenetic location: 16p11.2.
Variant type: single nucleotide variant.
Coding change: c.1039T>C on transcript NM_014712.3 (MANE Select); coding-DNA position 1039, T replaced by C.
Protein change: p.Ser347Pro; replaces serine 347 with proline.
Molecular consequence: missense variant.
Genome position (GRCh38, 1-based): chr16:30,964,781, T>C. VCF-style: chr16-30964781-T-C. GRCh37 (hg19) VCF-style: chr16-30976102-T-C.
Other names: short protein forms S347P.
Identifiers: ClinVar variation 3053151 (VCV003053151.2), dbSNP rs2056112638, ClinGen allele CA395652109.
Genomic context (GRCh38, chr16:30,964,781, plus strand): 5'-ATCGCCGCCACCACTGCAGCCACTGCCTCATCCTCCGCCTCTTCCTCCTCATTGTCCTCG[T>C]CCTCCTCGTCATCCTCTTCCTCCTCGTCCTCTCAGTTTCGTAGTTCTGATGCAAACTACC-3'
Protein context (NP_055527.1, residues 337-357): SSASSSSLSS[Ser347Pro]SSSSSSSSSS